The following is an entry in ClinVar:

ClinVar aggregate classification (germline): Uncertain significance (1 of 4 stars; one submission).

Conditions:
FADD-related immunodeficiency. Also called: Infections, recurrent, with encephalopathy, hepatic dysfunction, and cardiovascular malformations; FADD DEFICIENCY. Identifiers: Orphanet 306550, MedGen C3151062, MONDO:0013408, OMIM 613759.

Allele frequency attached by ClinVar (database versions not stated): gnomAD exomes below 0.00001.
gnomAD v4.1: 1 of 1,614,154 alleles (0.000062%); highest among the groups gnomAD compares: Non-Finnish European, 0.000085%; no homozygotes.

Submission:

Labcorp Genetics (formerly Invitae), Labcorp
Classification: Uncertain significance for FADD-related immunodeficiency. Last evaluated: 2020-08-11. Review status: criteria provided, single submitter. Criteria: Invitae Variant Classification Sherloc (09022015). Collection method: clinical testing. Allele origin: germline.
Comment: This variant has not been reported in the literature in individuals with FADD-related conditions. In summary, the available evidence is currently insufficient to determine the role of this variant in disease. Therefore, it has been classified as a Variant of Uncertain Significance. Algorithms developed to predict the effect of missense changes on protein structure and function output the following: SIFT: "Tolerated"; PolyPhen-2: "Benign"; Align-GVGD: "Class C0". The histidine amino acid residue is found in multiple mammalian species, suggesting that this missense change does not adversely affect protein function. These predictions have not been confirmed by published functional studies and their clinical significance is uncertain. This variant is not present in population databases (ExAC no frequency). This sequence change replaces tyrosine with histidine at codon 133 of the FADD protein (p.Tyr133His). The tyrosine residue is moderately conserved and there is a moderate physicochemical difference between tyrosine and histidine.

NM_003824.4(FADD):c.397T>C (p.Tyr133His)

Gene: FADD (Fas associated via death domain; plus strand). Cytogenetic location: 11q13.3.
Variant type: single nucleotide variant.
Coding change: c.397T>C on transcript NM_003824.4 (MANE Select); coding-DNA position 397, T replaced by C.
Protein change: p.Tyr133His; replaces tyrosine 133 with histidine.
Molecular consequence: missense variant.
Genome position (GRCh38, 1-based): chr11:70,206,243, T>C. VCF-style: chr11-70206243-T-C. GRCh37 (hg19) VCF-style: chr11-70052349-T-C.
Other names: short protein forms Y133H.
Identifiers: ClinVar variation 1009886 (VCV001009886.9), dbSNP rs2049458420, ClinGen allele CA381666122.